The following is an entry in ClinVar:

ClinVar aggregate classification (germline): Uncertain significance. Review status: criteria provided, multiple submitters, no conflicts (2 of 4 stars). 3 submissions from 3 submitters: Uncertain significance (3). Last evaluated 2023-01-01.

Conditions:
Cardiovascular phenotype. Identifiers: MedGen CN230736.

Allele frequency attached by ClinVar (database versions not stated): ExAC 0.00001; gnomAD exomes 0.00001; gnomAD 0.00002; TOPMed 0.00002.
gnomAD v4.1: 8 of 1,613,950 alleles (0.0005%); highest among the groups gnomAD compares: African/African-American, 0.0067%; no homozygotes.

Submissions (3):

CeGaT Center for Human Genetics Tuebingen
Classification: Uncertain significance. Last evaluated: 2023-01-01. Review status: criteria provided, single submitter. Criteria: CeGaT Center For Human Genetics Tuebingen Variant Classification Criteria Version 2. Collection method: clinical testing. Allele origin: germline. Affected: yes. Observed: 1 variant allele.
Comment: SCN10A: PM2:Supporting

GeneDx
Classification: Uncertain significance. Last evaluated: 2022-03-17. Review status: criteria provided, single submitter. Criteria: GeneDx Variant Classification Process June 2021. Collection method: clinical testing. Allele origin: germline. Affected: yes.
Comment: Has not been previously published as pathogenic or benign to our knowledge; Not observed at significant frequency in large population cohorts (gnomAD); In silico analysis supports that this missense variant has a deleterious effect on protein structure/function

Ambry Genetics
Classification: Uncertain significance for Cardiovascular phenotype. Last evaluated: 2021-12-13. Review status: criteria provided, single submitter. Criteria: Ambry Variant Classification Scheme 2023. Collection method: clinical testing. Allele origin: germline.
Comment: The p.P1778S variant (also known as c.5332C>T), located in coding exon 27 of the SCN10A gene, results from a C to T substitution at nucleotide position 5332. The proline at codon 1778 is replaced by serine, an amino acid with similar properties. This amino acid position is conserved. In addition, the in silico prediction for this alteration is inconclusive. Since supporting evidence is limited at this time, the clinical significance of this alteration remains unclear.

NM_006514.4(SCN10A):c.5332C>T (p.Pro1778Ser)

Gene: SCN10A (sodium voltage-gated channel alpha subunit 10; minus strand). Cytogenetic location: 3p22.2.
Variant type: single nucleotide variant.
Coding change: c.5332C>T on transcript NM_006514.4 (MANE Select); coding-DNA position 5332, C replaced by T.
Protein change: p.Pro1778Ser; replaces proline 1778 with serine.
Molecular consequence: missense variant.
Genome position (GRCh38, 1-based): chr3:38,697,888, G>A on the plus strand (C>T on the coding strand, the complement: SCN10A is on the minus strand). VCF-style: chr3-38697888-G-A. GRCh37 (hg19) VCF-style: chr3-38739379-G-A.
Other names: c.5329C>T, p.Pro1777Ser (NM_001293306.2); c.5038C>T, p.Pro1680Ser (NM_001293307.2); short protein forms P1680S, P1777S, P1778S.
Identifiers: ClinVar variation 1706207 (VCV001706207.28), dbSNP rs749673345, ClinGen allele CA2319695.
Genomic context (GRCh38, chr3:38,697,888, plus strand): 5'-TCTTATCTCCAGGGACCAAAGGCAGGTCCATCTGGATCAGTATATTTCGATTGGGTTTTG[G>A]GATTCTCAGGGGACCAGAGAGAGTGTCTGCAAAGTCCGAGAGAGCAGAAAAGGTAATAAA-3'
Protein context (NP_006505.4, residues 1768-1788): ADTLSGPLRI[Pro1778Ser]KPNRNILIQM